The following is an entry in ClinVar:

NM_014846.4(WASHC5):c.1443_1447del (p.Lys481fs)

Gene: WASHC5 (WASH complex subunit 5; minus strand). Cytogenetic location: 8q24.13.
Variant type: Deletion.
Coding change: c.1443_1447del on transcript NM_014846.4 (MANE Select); coding-DNA positions 1443 to 1447, 5 bases deleted (ACAAA; older notation c.1443_1447delACAAA).
Protein change: p.Lys481fs; shifts the reading frame from lysine 481.
Molecular consequence: frameshift variant.
Genome position (GRCh38, 1-based): chr8:125,061,156-125,061,160, TTTGT deleted on the plus strand (ACAAA on the coding strand, the reverse complement: WASHC5 is on the minus strand); deleting any 5 consecutive bases within chr8:125,061,156-125,061,164 gives the same sequence; the c. name uses the placement nearest the transcript's 3' end. VCF-style (leftmost placement, unchanged base first): chr8-125061155-ATTTGT-A. GRCh37 (hg19) VCF-style: chr8-126073397-ATTTGT-A.
Other names: c.999_1003del, p.Lys333fs (NM_001330609.2); short protein forms K333fs, K481fs.
Identifiers: ClinVar variation 4791041 (VCV004791041.1).

ClinVar aggregate classification (germline): Pathogenic (1 of 4 stars; one submission).

Conditions:
Ritscher-Schinzel syndrome. Also called: CRANIOCEREBELLOCARDIAC DYSPLASIA. Identifiers: Orphanet 7, MedGen C0796137, MONDO:0019078.
Hereditary spastic paraplegia 8 (SPG8). Also called: SPASTIC PARAPLEGIA 8, AUTOSOMAL DOMINANT. Identifiers: Orphanet 100989, MedGen C1863704, MONDO:0011339, OMIM 603563.

Submission:

Labcorp Genetics (formerly Invitae), Labcorp
Classification: Pathogenic for Ritscher-Schinzel syndrome; Hereditary spastic paraplegia 8. Last evaluated: 2025-04-04. Review status: criteria provided, single submitter. Criteria: Invitae Variant Classification Sherloc (09022015). Collection method: clinical testing. Allele origin: germline.
Comment: This sequence change creates a premature translational stop signal (p.Lys481Asnfs*7) in the WASHC5 gene. It is expected to result in an absent or disrupted protein product. Loss-of-function variants in WASHC5 are known to be pathogenic (PMID: 24065355). This variant is not present in population databases (gnomAD no frequency). This variant has not been reported in the literature in individuals affected with WASHC5-related conditions. For these reasons, this variant has been classified as Pathogenic.

Literature cited by the submitters: PubMed 24065355.